The following is an entry in ClinVar:

NM_007294.4(BRCA1):c.4562A>G (p.Asn1521Ser)

Gene: BRCA1 (BRCA1 DNA repair associated; minus strand). Cytogenetic location: 17q21.31.
Variant type: single nucleotide variant.
Coding change: c.4562A>G on transcript NM_007294.4 (MANE Select); coding-DNA position 4562, A replaced by G.
Protein change: p.Asn1521Ser; replaces asparagine 1521 with serine.
Molecular consequence: missense variant. On other transcripts: intron variant (3).
Genome position (GRCh38, 1-based): chr17:43,074,444, T>C on the plus strand (A>G on the coding strand, the complement: BRCA1 is on the minus strand). VCF-style: chr17-43074444-T-C. GRCh37 (hg19) VCF-style: chr17-41226461-T-C.
Other names: c.4559A>G, p.Asn1520Ser (NM_001407858.1, NM_001407859.1, NM_001407860.1 and 17 more transcripts); c.4556A>G, p.Asn1519Ser (NM_001407861.1, NM_001407627.1, NM_001407628.1 and 14 more transcripts); c.4361A>G, p.Asn1454Ser (NM_001407862.1); c.4436A>G, p.Asn1479Ser (NM_001407863.1, NM_001407670.1, NM_001407671.1 and 11 more transcripts); c.4355A>G, p.Asn1452Ser (NM_001407874.1, NM_001407875.1); c.4352A>G, p.Asn1451Ser (NM_001407879.1, NM_001407881.1, NM_001407882.1 and 5 more transcripts); c.4349A>G, p.Asn1450Ser (NM_001407571.1, NM_001407894.1, NM_001407895.1 and 12 more transcripts); c.4628A>G, p.Asn1543Ser (NM_001407581.1, NM_001407582.1); and 71 more; short protein forms N1224S, N1352S, N1394S, N1408S, N1432S, N1452S, N1474S, N1477S.
Identifiers: ClinVar variation 2774834 (VCV002774834.3), dbSNP rs2551485319, ClinGen allele CA10592390.

ClinVar aggregate classification (germline): Uncertain significance. Review status: criteria provided, multiple submitters, no conflicts (2 of 4 stars). 2 submissions from 2 submitters: Uncertain significance (2). Last evaluated 2024-10-28.

Conditions:
Hereditary cancer-predisposing syndrome. Also called: Neoplastic Syndromes, Hereditary; Tumor predisposition; Hereditary Cancer Syndrome; Hereditary neoplastic syndrome. Identifiers: Orphanet 140162, MedGen C0027672, MeSH D009386, MONDO:0015356.

Submissions (2):

Ambry Genetics
Classification: Uncertain significance for Hereditary cancer-predisposing syndrome. Last evaluated: 2024-10-28. Review status: criteria provided, single submitter. Criteria: Ambry Variant Classification Scheme 2023. Collection method: clinical testing. Allele origin: germline.
Comment: The p.N1521S variant (also known as c.4562A>G), located in coding exon 13 of the BRCA1 gene, results from an A to G substitution at nucleotide position 4562. The asparagine at codon 1521 is replaced by serine, an amino acid with highly similar properties. This amino acid position is conserved. In addition, the in silico prediction for this alteration is inconclusive. Based on the available evidence, the clinical significance of this variant remains unclear.

Color Diagnostics, LLC DBA Color Health
Classification: Uncertain significance for Hereditary cancer-predisposing syndrome. Last evaluated: 2023-06-26. Review status: criteria provided, single submitter. Criteria: ACMG Guidelines, 2015. Collection method: clinical testing. Allele origin: germline.
Comment: This missense variant replaces asparagine with serine at codon 1521 of the BRCA1 protein. Computational prediction suggests that this variant may not impact protein structure and function (internally defined REVEL score threshold <= 0.5, PMID: 27666373). To our knowledge, functional studies have not been reported for this variant. This variant has not been reported in individuals affected with BRCA1-related disorders in the literature. This variant has not been identified in the general population by the Genome Aggregation Database (gnomAD). The available evidence is insufficient to determine the role of this variant in disease conclusively. Therefore, this variant is classified as a Variant of Uncertain Significance.